The following is an entry in ClinVar:

NM_138370.3(PKDCC):c.925A>G (p.Ser309Gly)

Gene: PKDCC (protein kinase domain containing, cytoplasmic; plus strand). Cytogenetic location: 2p21.
Variant type: single nucleotide variant.
Coding change: c.925A>G on transcript NM_138370.3 (MANE Select); coding-DNA position 925, A replaced by G.
Protein change: p.Ser309Gly; replaces serine 309 with glycine.
Molecular consequence: missense variant.
Genome position (GRCh38, 1-based): chr2:42,054,198, A>G. VCF-style: chr2-42054198-A-G. GRCh37 (hg19) VCF-style: chr2-42281338-A-G.
Other names: c.925A>G (NM_138370.2); short protein forms S309G.
Identifiers: ClinVar variation 1586078 (VCV001586078.10), dbSNP rs61754921, ClinGen allele CA1628066.

ClinVar aggregate classification (germline): Conflicting classifications of pathogenicity. Review status: criteria provided, conflicting classifications (1 of 4 stars). 3 submissions from 3 submitters: Uncertain significance (1); Likely benign (1). 1 of the submissions does not count toward it. Last evaluated 2025-11-17.

Conditions:
PKDCC-related disorder. Also called: PKDCC-related condition.
Inborn genetic diseases. Identifiers: MedGen C0950123, MeSH D030342.

Allele frequency attached by ClinVar (database versions not stated): gnomAD exomes 0.00010 and 0.00026; ExAC 0.00046; gnomAD 0.00094 and 0.00099; ESP Exome Variant Server 0.00100; TOPMed 0.00107; 1000 Genomes Project 30x 0.00109; 1000 Genomes Project 0.00120.
gnomAD v4.1: 290 of 1,607,412 alleles (0.018%); highest among the groups gnomAD compares: African/African-American, 0.35%; 1 homozygote.

Submissions (3):

Labcorp Genetics (formerly Invitae), Labcorp
Classification: Likely benign. Last evaluated: 2025-11-17. Review status: criteria provided, single submitter. Criteria: Invitae Variant Classification Sherloc (09022015). Collection method: clinical testing. Allele origin: germline.

Ambry Genetics
Classification: Uncertain significance for Inborn genetic diseases. Last evaluated: 2024-04-01. Review status: criteria provided, single submitter. Criteria: Ambry Variant Classification Scheme 2023. Collection method: clinical testing. Allele origin: germline.

PreventionGenetics, part of Exact Sciences
Classification: Likely benign for PKDCC-related condition. Last evaluated: 2024-03-06. Review status: no assertion criteria provided. Collection method: clinical testing. Allele origin: germline. Not counted in ClinVar's aggregate classification.
Comment: This variant is classified as likely benign based on ACMG/AMP sequence variant interpretation guidelines (Richards et al. 2015 PMID: 25741868, with internal and published modifications).